The following is an entry in ClinVar:

ClinVar aggregate classification (germline): Uncertain significance. Review status: criteria provided, multiple submitters, no conflicts (2 of 4 stars). 4 submissions from 3 submitters: Uncertain significance (4). Last evaluated 2025-08-04.

Conditions:
Warburg micro syndrome 2 (WARBM2). Also called: MICRO SYNDROME 2. Identifiers: Orphanet 2510, MedGen C3280214, MONDO:0013641, OMIM 614225.
Martsolf syndrome (MARTS). Also called: Congenital cataract with intellectual disability and hypogonadotropic hypogonadism syndrome. Identifiers: Orphanet 1387, MedGen C0796037, MONDO:0023910.
Inborn genetic diseases. Identifiers: MedGen C0950123, MeSH D030342.

Allele frequency attached by ClinVar (database versions not stated): gnomAD 0.00001; gnomAD exomes 0.00001 and 0.00002; TOPMed 0.00001; ExAC 0.00002.
gnomAD v4.1: 19 of 1,613,962 alleles (0.0012%); highest among the groups gnomAD compares: Non-Finnish European, 0.0014%; no homozygotes.

Submissions (4):

Labcorp Genetics (formerly Invitae), Labcorp
Classification: Uncertain significance for Martsolf syndrome; Warburg micro syndrome 2. Last evaluated: 2025-08-04. Review status: criteria provided, single submitter. Criteria: Invitae Variant Classification Sherloc (09022015). Collection method: clinical testing. Allele origin: germline.
Comment: This sequence change replaces arginine, which is basic and polar, with lysine, which is basic and polar, at codon 924 of the RAB3GAP2 protein (p.Arg924Lys). This variant is present in population databases (rs758604254, gnomAD 0.005%). This variant has not been reported in the literature in individuals affected with RAB3GAP2-related conditions. ClinVar contains an entry for this variant (Variation ID: 295646). Invitae Evidence Modeling of protein sequence and biophysical properties (such as structural, functional, and spatial information, amino acid conservation, physicochemical variation, residue mobility, and thermodynamic stability) indicates that this missense variant is not expected to disrupt RAB3GAP2 protein function with a negative predictive value of 80%. In summary, the available evidence is currently insufficient to determine the role of this variant in disease. Therefore, it has been classified as a Variant of Uncertain Significance.

Ambry Genetics
Classification: Uncertain significance for Inborn genetic diseases. Last evaluated: 2022-04-14. Review status: criteria provided, single submitter. Criteria: Ambry Variant Classification Scheme 2023. Collection method: clinical testing. Allele origin: germline.

Illumina Laboratory Services, Illumina
Classification: Uncertain significance for Warburg micro syndrome 2. Last evaluated: 2018-01-13. Review status: criteria provided, single submitter. Criteria: ICSL Variant Classification Criteria 13 December 2019. Collection method: clinical testing. Allele origin: germline.

Illumina Laboratory Services, Illumina
Classification: Uncertain significance for Martsolf syndrome 1. Last evaluated: 2018-01-13. Review status: criteria provided, single submitter. Criteria: ICSL Variant Classification Criteria 13 December 2019. Collection method: clinical testing. Allele origin: germline.

NM_012414.4(RAB3GAP2):c.2771G>A (p.Arg924Lys)

Gene: RAB3GAP2 (RAB3 GTPase activating non-catalytic protein subunit 2; minus strand). Cytogenetic location: 1q41.
Variant type: single nucleotide variant.
Coding change: c.2771G>A on transcript NM_012414.4 (MANE Select); coding-DNA position 2771, G replaced by A.
Protein change: p.Arg924Lys; replaces arginine 924 with lysine.
Molecular consequence: missense variant.
Genome position (GRCh38, 1-based): chr1:220,170,927, C>T on the plus strand (G>A on the coding strand, the complement: RAB3GAP2 is on the minus strand). VCF-style: chr1-220170927-C-T. GRCh37 (hg19) VCF-style: chr1-220344269-C-T.
Other names: short protein forms R924K.
Identifiers: ClinVar variation 295646 (VCV000295646.12), dbSNP rs758604254, ClinGen allele CA1402361.